The following is an entry in ClinVar:

NM_024422.6(DSC2):c.1263+5G>T

Gene: DSC2 (desmocollin 2; minus strand). Cytogenetic location: 18q12.1.
Variant type: single nucleotide variant.
Coding change: c.1263+5G>T on transcript NM_024422.6 (MANE Select); 5 bases into the intron after coding-DNA position 1263, G replaced by T.
Molecular consequence: intron variant.
Genome position (GRCh38, 1-based): chr18:31,082,233, C>A on the plus strand (G>T on the coding strand, the complement: DSC2 is on the minus strand). VCF-style: chr18-31082233-C-A. GRCh37 (hg19) VCF-style: chr18-28662199-C-A.
Other names: c.1263+5G>T (NM_004949.5).
Identifiers: ClinVar variation 1973889 (VCV001973889.5), dbSNP rs1329734211, ClinGen allele CA629136086.

ClinVar aggregate classification (germline): Uncertain significance (1 of 4 stars; one submission).

Conditions:
Arrhythmogenic right ventricular dysplasia 11. Also called: Arrhythmogenic Right Ventricular Dysplasia/Cardiomyopathy11; ARRHYTHMOGENIC RIGHT VENTRICULAR DYSPLASIA, FAMILIAL, 11; Arrhythmogenic right ventricular dysplasia 11 with mild palmoplantar keratoderma and woolly hair. Identifiers: MedGen C1864850, MONDO:0012506, OMIM 610476.

Allele frequency attached by ClinVar (database versions not stated): gnomAD exomes below 0.00001.

Submission:

Labcorp Genetics (formerly Invitae), Labcorp
Classification: Uncertain significance for Arrhythmogenic right ventricular dysplasia 11. Last evaluated: 2022-08-22. Review status: criteria provided, single submitter. Criteria: Invitae Variant Classification Sherloc (09022015). Collection method: clinical testing. Allele origin: germline.
Comment: In summary, the available evidence is currently insufficient to determine the role of this variant in disease. Therefore, it has been classified as a Variant of Uncertain Significance. Variants that disrupt the consensus splice site are a relatively common cause of aberrant splicing (PMID: 17576681, 9536098). Algorithms developed to predict the effect of sequence changes on RNA splicing suggest that this variant is not likely to affect RNA splicing. This variant has not been reported in the literature in individuals affected with DSC2-related conditions. This variant is present in population databases (no rsID available, gnomAD 0.003%). This sequence change falls in intron 9 of the DSC2 gene. It does not directly change the encoded amino acid sequence of the DSC2 protein. It affects a nucleotide within the consensus splice site.

Literature cited by the submitters: PubMed 17576681; PubMed 9536098.